The following is an entry in ClinVar:

NM_201378.4(PLEC):c.71-11849C>A

Gene: PLEC (plectin; minus strand). Cytogenetic location: 8q24.3.
Variant type: single nucleotide variant.
Coding change: c.71-11849C>A on transcript NM_201378.4 (MANE Plus Clinical); 11849 bases into the intron before coding-DNA position 71, C replaced by A.
Molecular consequence: intron variant. On other transcripts: synonymous variant (1).
Genome position (GRCh38, 1-based): chr8:143,950,541, G>T on the plus strand (C>A on the coding strand, the complement: PLEC is on the minus strand). VCF-style: chr8-143950541-G-T. GRCh37 (hg19) VCF-style: chr8-145024709-G-T.
Other names: c.166C>A, p.Arg56= (NM_201380.4); c.194-11849C>A (NM_001410941.1, NM_000445.5); c.46+3185C>A (NM_201379.3).
Identifiers: ClinVar variation 4977625 (VCV004977625.1).

ClinVar aggregate classification (germline): Likely benign (1 of 4 stars; one submission).

Conditions:
PLEC-related disorder. Also called: PLEC-related condition; PLEC-related disorders.

gnomAD v4.1: 31 of 1,607,726 alleles (0.0019%); highest among the groups gnomAD compares: East Asian, 0.063%; no homozygotes.

Submission:

PreventionGenetics, part of Exact Sciences
Classification: Likely benign for PLEC-related condition. Last evaluated: 2025-12-26. Review status: criteria provided, single submitter. Criteria: ACMG Guidelines, 2015. Collection method: clinical testing. Allele origin: germline.
Comment: This variant is classified as likely benign based on ACMG/AMP sequence variant interpretation guidelines (Richards et al. 2015 PMID: 25741868, with internal and published modifications).